The following is an entry in ClinVar:

ClinVar aggregate classification (germline): Likely pathogenic (1 of 4 stars; one submission).

Submission:

Labcorp Genetics (formerly Invitae), Labcorp
Classification: Likely pathogenic. Last evaluated: 2024-01-07. Review status: criteria provided, single submitter. Criteria: Invitae Variant Classification Sherloc (09022015). Collection method: clinical testing. Allele origin: unknown.
Comment: This variant results in a copy number gain of the genomic region encompassing exon(s) 10 of the ACBD5 gene. While the exact position of this variant cannot be determined from the data, sub-genic copy number gains are generally in tandem (PMID: 25640679). This variant is predicted to be out-of-frame, and may result in an absent or disrupted protein product. Loss-of-function variants in ACBD5 are known to be pathogenic (PMID: 23105016, 27799409). This variant has not been reported in the literature in individuals affected with ACBD5-related conditions. In summary, the currently available evidence indicates that the variant is pathogenic, but additional data are needed to prove that conclusively. Therefore, this variant has been classified as Likely Pathogenic.

Literature cited by the submitters: PubMed 25640679; PubMed 23105016; PubMed 27799409.

NC_000010.10:g.(?_27497155)_(27497394_?)dup

Gene: ACBD5 (acyl-CoA binding domain containing 5; minus strand). Cytogenetic location: 10p12.1.
Variant type: Duplication.
Identifiers: ClinVar variation 3245042 (VCV003245042.1).